The following is an entry in ClinVar:

ClinVar aggregate classification (germline): Pathogenic. Review status: criteria provided, multiple submitters, no conflicts (2 of 4 stars). 2 submissions from 2 submitters: Pathogenic (2). Last evaluated 2024-01-30.

Conditions:
Familial cancer of breast. Also called: Hereditary breast cancer; hereditary breast carcinoma; BREAST CANCER, FAMILIAL. Identifiers: Orphanet 227535, MedGen C0346153, MONDO:0016419, OMIM 114480. Disease mechanism: loss of function.
Ataxia-telangiectasia syndrome (AT). Also called: Ataxia telangiectasia (A-T); ATAXIA-TELANGIECTASIA, COMPLEMENTATION GROUP A; ATAXIA-TELANGIECTASIA, FRESNO VARIANT; Ataxia-telangiectasia; Ataxia-telangiectasia, complementation group E; LOUIS-BAR SYNDROME. Identifiers: Orphanet 100, MedGen C0004135, MONDO:0008840, OMIM 208900.

Submissions (3):

Myriad Genetics, Inc.
Classification: Pathogenic for Familial cancer of breast. Last evaluated: 2024-01-30. Review status: criteria provided, single submitter. Criteria: Myriad Autosomal Dominant, Autosomal Recessive and X-Linked Classification Criteria (2023). Collection method: clinical testing. Allele origin: unknown.
Comment: This variant is considered pathogenic. This variant creates a termination codon and is predicted to result in premature protein truncation.

Labcorp Genetics (formerly Invitae), Labcorp
Classification: Pathogenic for Ataxia-telangiectasia syndrome. Last evaluated: 2021-08-29. Review status: criteria provided, single submitter. Criteria: Invitae Variant Classification Sherloc (09022015). Collection method: clinical testing. Allele origin: germline.
Comment: This sequence change creates a premature translational stop signal (p.Gln2269*) in the ATM gene. It is expected to result in an absent or disrupted protein product. This variant is not present in population databases (ExAC no frequency). This variant has not been reported in the literature in individuals with ATM-related conditions. Loss-of-function variants in ATM are known to be pathogenic (PMID: 23807571, 25614872). For these reasons, this variant has been classified as Pathogenic.

Dr. Peter K. Rogan Lab, Western University
No classification provided (evidence only). Condition: Familial cancer of breast. Review status: no classification provided. Collection method: in vitro. Allele origin: not applicable. Functional consequence: skipped exon, retained intron. Not counted in ClinVar's aggregate classification.

Literature cited by the submitters: PubMed 23807571 (cited by Labcorp Genetics (formerly Invitae), Labcorp); PubMed 25614872 (cited by Labcorp Genetics (formerly Invitae), Labcorp).

NM_000051.4(ATM):c.6805C>T (p.Gln2269Ter)

Genes: ATM (ATM serine/threonine kinase; plus strand), C11orf65 (chromosome 11 open reading frame 65; minus strand). Cytogenetic location: 11q22.3.
Variant type: single nucleotide variant.
Coding change: c.6805C>T on transcript NM_000051.4 (MANE Select); coding-DNA position 6805, C replaced by T.
Protein change: p.Gln2269Ter; replaces glutamine 2269 with a stop codon.
Molecular consequence: nonsense. On other transcripts: intron variant (2).
Genome position (GRCh38, 1-based): chr11:108,325,542, C>T. VCF-style: chr11-108325542-C-T. GRCh37 (hg19) VCF-style: chr11-108196269-C-T.
Other names: c.6805C>T, p.Gln2269Ter (NM_001351834.2); c.641-16471G>A (NM_001330368.2); c.*38+9678G>A (NM_001351110.2); short protein forms Q2269*.
Identifiers: ClinVar variation 1076435 (VCV001076435.9), dbSNP rs2085584895, ClinGen allele CA382555613.
Genomic context (GRCh38, chr11:108,325,542, plus strand): 5'-GACATTCTCACCAAACACCTTGTAGAACTCTCTATACTGGCCAGAACTTTCAAGAACACT[C>T]AGGTAAATACAATTTAAAACTATGTCATCTTACCTCTTGACTTTCCTTTTATTATTTAAA-3'